The following is an entry in ClinVar:

ClinVar aggregate classification (germline): Uncertain significance (1 of 4 stars; one submission).

Submission:

Women's Health and Genetics/Laboratory Corporation of America, LabCorp
Classification: Uncertain significance. Last evaluated: 2026-05-20. Review status: criteria provided, single submitter. Criteria: LabCorp Variant Classification Summary - May 2015. Collection method: clinical testing. Allele origin: germline.
Comment: Variant summary: FRMD4A c.2427_2435dupTGCGGGGGG (p.Ala816_Gly818dup) results in an in-frame duplication that is predicted to duplicate 3 amino acids into the encoded protein. The variant allele was found at a frequency of 8.9e-05 in 90276 control chromosomes. The available data on variant occurrences in the general population are insufficient to allow any conclusion about variant significance. To our knowledge, no occurrence of c.2427_2435dupTGCGGGGGG in individuals affected with FRMD4A-related conditions and no experimental evidence demonstrating its impact on protein function have been reported. No submitters have cited clinical-significance assessments for this variant to ClinVar. Based on the evidence outlined above, the variant was classified as uncertain significance.

NM_018027.5(FRMD4A):c.2427_2435dup (p.Gly818_Gly819insAlaGlyGly)

Gene: FRMD4A (FERM domain containing 4A; minus strand). Cytogenetic location: 10p13.
Variant type: Duplication.
Coding change: c.2427_2435dup on transcript NM_018027.5 (MANE Select); coding-DNA positions 2427 to 2435, 9 bases duplicated (TGCGGGGGG; older notation c.2427_2435dupTGCGGGGGG).
Protein change: p.Gly818_Gly819insAlaGlyGly.
Molecular consequence: inframe insertion.
Genome position (GRCh38, 1-based): chr10:13,657,154-13,657,162, CCCCCCGCA duplicated on the plus strand (TGCGGGGGG on the coding strand, the reverse complement: FRMD4A is on the minus strand); duplicating any 9 consecutive bases within chr10:13,657,154-13,657,167 gives the same sequence; the c. name uses the placement nearest the transcript's 3' end. VCF-style (leftmost placement, unchanged base first): chr10-13657153-G-GCCCCCCGCA. GRCh37 (hg19) VCF-style: chr10-13699153-G-GCCCCCCGCA.
Other names: c.2475_2483dup, p.Gly834_Gly835insAlaGlyGly (NM_001318336.2); c.2526_2534dup, p.Gly851_Gly852insAlaGlyGly (NM_001318337.2); c.1500_1508dup, p.Gly509_Gly510insAlaGlyGly (NM_001318338.2); c.2427_2435dupTGCGGGGGG (NM_018027.5).
Identifiers: ClinVar variation 4853769 (VCV004853769.1).